The following is an entry in ClinVar:

NM_000053.4(ATP7B):c.2110del (p.Thr704fs)

Gene: ATP7B (ATPase copper transporting beta; minus strand). Cytogenetic location: 13q14.3.
Variant type: Deletion.
Coding change: c.2110del on transcript NM_000053.4 (MANE Select); coding-DNA position 2110, one base deleted (A; older notation c.2110delA).
Protein change: p.Thr704fs; shifts the reading frame from threonine 704.
Molecular consequence: frameshift variant. On other transcripts: intron variant (13).
Genome position (GRCh38, 1-based): chr13:51,960,159, T deleted on the plus strand (A on the coding strand, the reverse complement: ATP7B is on the minus strand). VCF-style (leftmost placement, unchanged base first): chr13-51960158-GT-G. GRCh37 (hg19) VCF-style: chr13-52534294-GT-G.
Other names: p.Thr704Profs*19; c.1777del, p.Thr593fs (NM_001243182.2); c.2110del, p.Thr704fs (NM_001330578.2, NM_001406511.1, NM_001406512.1 and 16 more transcripts); c.2077del, p.Thr693fs (NM_001406514.1, NM_001406524.1); c.2014del, p.Thr672fs (NM_001406517.1, NM_001406518.1, NM_001406530.1 and 1 more transcripts); c.1681del, p.Thr561fs (NM_001406539.1); c.1870-2552del (NM_001406541.1, NM_001005918.3, NM_001406546.1 and 1 more transcripts); c.1870-1615del (NM_001406531.1, NM_001406532.1, NM_001406540.1 and 1 more transcripts); and 4 more; short protein forms T561fs, T593fs, T672fs, T693fs, T704fs.
Identifiers: ClinVar variation 2683627 (VCV002683627.1), dbSNP rs2547724565, ClinGen allele CA2697551879.

ClinVar aggregate classification (germline): Pathogenic (1 of 4 stars; one submission).

Submission:

Mayo Clinic Laboratories, Mayo Clinic
Classification: Pathogenic. Last evaluated: 2023-05-17. Review status: criteria provided, single submitter. Criteria: ACMG Guidelines, 2015. Collection method: clinical testing. Allele origin: germline. Observed: 1 variant allele.
Comment: PM2, PM3_supporting, PVS1